The following is an entry in ClinVar:

NM_001271.4(CHD2):c.479A>G (p.Gln160Arg)

Gene: CHD2 (chromodomain helicase DNA binding protein 2; plus strand). Cytogenetic location: 15q26.1.
Variant type: single nucleotide variant.
Coding change: c.479A>G on transcript NM_001271.4 (MANE Select); coding-DNA position 479, A replaced by G.
Protein change: p.Gln160Arg; replaces glutamine 160 with arginine.
Molecular consequence: missense variant.
Genome position (GRCh38, 1-based): chr15:92,937,553, A>G. VCF-style: chr15-92937553-A-G. GRCh37 (hg19) VCF-style: chr15-93480783-A-G.
Other names: c.479A>G, p.Gln160Arg (NM_001042572.3); short protein forms Q160R.
Identifiers: ClinVar variation 2112839 (VCV002112839.4), dbSNP rs1319399205, ClinGen allele CA393899625.

ClinVar aggregate classification (germline): Uncertain significance (1 of 4 stars; one submission).

Conditions:
Developmental and epileptic encephalopathy 94 (DEE94). Also called: CHD2-Related Neurodevelopmental Disorders; Epileptic encephalopathy, childhood-onset. Identifiers: Orphanet 1942, Orphanet 2382, MedGen C3809278, MONDO:0014150, OMIM 615369.

Allele frequency attached by ClinVar (database versions not stated): TOPMed below 0.00001; gnomAD 0.00001.
gnomAD v4.1: 2 of 1,613,230 alleles (0.00012%); highest among the groups gnomAD compares: Non-Finnish European, 0.000085%; no homozygotes.

Submission:

Labcorp Genetics (formerly Invitae), Labcorp
Classification: Uncertain significance for Developmental and epileptic encephalopathy 94. Last evaluated: 2022-08-16. Review status: criteria provided, single submitter. Criteria: Invitae Variant Classification Sherloc (09022015). Collection method: clinical testing. Allele origin: germline.
Comment: In summary, the available evidence is currently insufficient to determine the role of this variant in disease. Therefore, it has been classified as a Variant of Uncertain Significance. Advanced modeling of protein sequence and biophysical properties (such as structural, functional, and spatial information, amino acid conservation, physicochemical variation, residue mobility, and thermodynamic stability) performed at Invitae indicates that this missense variant is not expected to disrupt CHD2 protein function. This variant has not been reported in the literature in individuals affected with CHD2-related conditions. This variant is not present in population databases (gnomAD no frequency). This sequence change replaces glutamine, which is neutral and polar, with arginine, which is basic and polar, at codon 160 of the CHD2 protein (p.Gln160Arg).